The following is an entry in ClinVar:

NM_005523.6(HOXA11):c.300C>T (p.Ala100=)

Genes: HOXA11 (homeobox A11; minus strand), LOC107126281 (NUP98-HOXA11 recombination region; plus strand). Cytogenetic location: 7p15.2.
Variant type: single nucleotide variant.
Coding change: c.300C>T on transcript NM_005523.6 (MANE Select); coding-DNA position 300, C replaced by T.
Protein change: p.Ala100=; no amino-acid change (alanine 100 retained).
Molecular consequence: synonymous variant.
Genome position (GRCh38, 1-based): chr7:27,184,845, G>A on the plus strand (C>T on the coding strand, the complement: HOXA11 is on the minus strand). VCF-style: chr7-27184845-G-A. GRCh37 (hg19) VCF-style: chr7-27224464-G-A.
Identifiers: ClinVar variation 5038929 (VCV005038929.1).

ClinVar aggregate classification (germline): Benign (1 of 4 stars; one submission).

Submission:

CeGaT Center for Human Genetics Tuebingen
Classification: Benign. Last evaluated: 2026-07-01. Review status: criteria provided, single submitter. Criteria: CeGaT Center For Human Genetics Tuebingen Variant Classification Criteria Version 2. Collection method: clinical testing. Allele origin: germline. Affected: yes. Observed: 1 variant allele.
Comment: HOXA11: BP4, BS1, BS2